The following is an entry in ClinVar:

NM_031263.4(HNRNPK):c.386C>G (p.Ala129Gly)

Genes: HNRNPK (heterogeneous nuclear ribonucleoprotein K; minus strand), HNRNPK-AS1 (HNRNPK antisense RNA 1; plus strand). Cytogenetic location: 9q21.32.
Variant type: single nucleotide variant.
Coding change: c.386C>G on transcript NM_031263.4 (MANE Select); coding-DNA position 386, C replaced by G.
Protein change: p.Ala129Gly; replaces alanine 129 with glycine.
Molecular consequence: missense variant. On other transcripts: intron variant (2).
Genome position (GRCh38, 1-based): chr9:83,973,918, G>C on the plus strand (C>G on the coding strand, the complement: HNRNPK is on the minus strand). VCF-style: chr9-83973918-G-C. GRCh37 (hg19) VCF-style: chr9-86588833-G-C.
Other names: c.386C>G, p.Ala129Gly (NM_001318188.2, NM_002140.5, NM_031262.4); c.331-519C>G (NM_001318186.2, NM_001318187.2); short protein forms A129G.
Identifiers: ClinVar variation 2868912 (VCV002868912.3), dbSNP rs140707980, ClinGen allele CA195466913.

ClinVar aggregate classification (germline): Uncertain significance (1 of 4 stars; one submission).

Allele frequency attached by ClinVar (database versions not stated): gnomAD 0.00001; TOPMed 0.00001; ESP Exome Variant Server 0.00008.
gnomAD v4.1: 6 of 1,613,448 alleles (0.00037%); highest among the groups gnomAD compares: Non-Finnish European, 0.00042%; no homozygotes.

Submission:

Labcorp Genetics (formerly Invitae), Labcorp
Classification: Uncertain significance. Last evaluated: 2023-01-28. Review status: criteria provided, single submitter. Criteria: Invitae Variant Classification Sherloc (09022015). Collection method: clinical testing. Allele origin: germline.
Comment: Algorithms developed to predict the effect of sequence changes on RNA splicing suggest that this variant may create or strengthen a splice site. This sequence change replaces alanine, which is neutral and non-polar, with glycine, which is neutral and non-polar, at codon 129 of the HNRNPK protein (p.Ala129Gly). This variant is present in population databases (rs140707980, gnomAD 0.0009%). This variant has not been reported in the literature in individuals affected with HNRNPK-related conditions. An algorithm developed to predict the effect of missense changes on protein structure and function (PolyPhen-2) suggests that this variant is likely to be tolerated. In summary, the available evidence is currently insufficient to determine the role of this variant in disease. Therefore, it has been classified as a Variant of Uncertain Significance.